The following is an entry in ClinVar:

NM_006790.3(MYOT):c.816+5G>T

Genes: MYOT (myotilin; plus strand), PKD2L2-DT (PKD2L2 divergent transcript; minus strand). Cytogenetic location: 5q31.2.
Variant type: single nucleotide variant.
Coding change: c.816+5G>T on transcript NM_006790.3 (MANE Select); 5 bases into the intron after coding-DNA position 816, G replaced by T.
Molecular consequence: intron variant.
Genome position (GRCh38, 1-based): chr5:137,882,110, G>T. VCF-style: chr5-137882110-G-T. GRCh37 (hg19) VCF-style: chr5-137217799-G-T.
Other names: c.471+5G>T (NM_001300911.2); c.264+5G>T (NM_001135940.2).
Identifiers: ClinVar variation 533013 (VCV000533013.7), dbSNP rs750433300, ClinGen allele CA3423039.

ClinVar aggregate classification (germline): Uncertain significance (1 of 4 stars; one submission).

Conditions:
Myofibrillar myopathy 3 (MFM3). Also called: Muscular dystrophy, proximal, type 1A; Autosomal dominant spheroid body myopathy. Identifiers: Orphanet 266, Orphanet 268129, MedGen C3714934, MONDO:0012215, OMIM 609200.

Allele frequency attached by ClinVar (database versions not stated): ExAC 0.00001; gnomAD exomes 0.00001 and 0.00002; TOPMed 0.00002.
gnomAD v4.1: 27 of 1,614,032 alleles (0.0017%); highest among the groups gnomAD compares: Non-Finnish European, 0.0022%; no homozygotes.

Submission:

Labcorp Genetics (formerly Invitae), Labcorp
Classification: Uncertain significance for Myofibrillar myopathy 3. Last evaluated: 2023-02-13. Review status: criteria provided, single submitter. Criteria: Invitae Variant Classification Sherloc (09022015). Collection method: clinical testing. Allele origin: germline.
Comment: This sequence change falls in intron 6 of the MYOT gene. It does not directly change the encoded amino acid sequence of the MYOT protein. It affects a nucleotide within the consensus splice site. The frequency data for this variant in the population databases is considered unreliable, as metrics indicate poor data quality at this position in the gnomAD database. This variant has not been reported in the literature in individuals affected with MYOT-related conditions. ClinVar contains an entry for this variant (Variation ID: 533013). Variants that disrupt the consensus splice site are a relatively common cause of aberrant splicing (PMID: 17576681, 9536098). Algorithms developed to predict the effect of sequence changes on RNA splicing suggest that this variant may disrupt the consensus splice site. In summary, the available evidence is currently insufficient to determine the role of this variant in disease. Therefore, it has been classified as a Variant of Uncertain Significance.

Literature cited by the submitters: PubMed 17576681; PubMed 9536098.